The following is an entry in ClinVar:

NM_020975.6(RET):c.1058A>C (p.Asp353Ala)

Gene: RET (ret proto-oncogene; plus strand). Cytogenetic location: 10q11.21.
Variant type: single nucleotide variant.
Coding change: c.1058A>C on transcript NM_020975.6 (MANE Select); coding-DNA position 1058, A replaced by C.
Protein change: p.Asp353Ala; replaces aspartic acid 353 with alanine.
Molecular consequence: missense variant.
Genome position (GRCh38, 1-based): chr10:43,106,566, A>C. VCF-style: chr10-43106566-A-C. GRCh37 (hg19) VCF-style: chr10-43602014-A-C.
Other names: c.1058A>C, p.Asp353Ala (NM_000323.2, NM_001406743.1, NM_001406744.1 and 6 more transcripts); c.296A>C, p.Asp99Ala (NM_001355216.2); c.929A>C, p.Asp310Ala (NM_001406761.1, NM_001406762.1, NM_001406764.1 and 1 more transcripts); c.770A>C, p.Asp257Ala (NM_001406766.1, NM_001406767.1, NM_001406770.1); short protein forms D353A, D99A, D257A, D310A.
Identifiers: ClinVar variation 1008979 (VCV001008979.10), dbSNP rs1837785512, ClinGen allele CA376546517.

ClinVar aggregate classification (germline): Uncertain significance (1 of 4 stars; one submission).

Conditions:
Multiple endocrine neoplasia, type 2 (MEN2). Identifiers: Orphanet 653, MedGen C4048306, MONDO:0019003. Disease mechanism: gain of function.

Submission:

Labcorp Genetics (formerly Invitae), Labcorp
Classification: Uncertain significance for Multiple endocrine neoplasia, type 2. Last evaluated: 2021-06-17. Review status: criteria provided, single submitter. Criteria: Invitae Variant Classification Sherloc (09022015). Collection method: clinical testing. Allele origin: germline.
Comment: In summary, the available evidence is currently insufficient to determine the role of this variant in disease. Therefore, it has been classified as a Variant of Uncertain Significance. Algorithms developed to predict the effect of missense changes on protein structure and function (SIFT, PolyPhen-2, Align-GVGD) all suggest that this variant is likely to be tolerated, but these predictions have not been confirmed by published functional studies and their clinical significance is uncertain. This variant has not been reported in the literature in individuals with RET-related conditions. This variant is not present in population databases (ExAC no frequency). This sequence change replaces aspartic acid with alanine at codon 353 of the RET protein (p.Asp353Ala). The aspartic acid residue is weakly conserved and there is a moderate physicochemical difference between aspartic acid and alanine.